The following is an entry in ClinVar:

ClinVar aggregate classification (germline): Uncertain significance (1 of 4 stars; one submission).

Conditions:
Catecholaminergic polymorphic ventricular tachycardia 1. Also called: VENTRICULAR TACHYCARDIA, STRESS-INDUCED POLYMORPHIC 1; RYR2-Related Catecholaminergic Polymorphic Ventricular Tachycardia; VENTRICULAR TACHYCARDIA, CATECHOLAMINERGIC POLYMORPHIC, 1, WITH OR WITHOUT ATRIAL DYSFUNCTION AND/OR DILATED CARDIOMYOPATHY. Identifiers: Orphanet 3286, MedGen C1631597, MONDO:0011484, OMIM 604772.

Submission:

Labcorp Genetics (formerly Invitae), Labcorp
Classification: Uncertain significance for Catecholaminergic polymorphic ventricular tachycardia 1. Last evaluated: 2025-07-09. Review status: criteria provided, single submitter. Criteria: Invitae Variant Classification Sherloc (09022015). Collection method: clinical testing. Allele origin: germline.
Comment: This sequence change replaces valine, which is neutral and non-polar, with alanine, which is neutral and non-polar, at codon 333 of the CASQ2 protein (p.Val333Ala). This variant is not present in population databases (gnomAD no frequency). This variant has not been reported in the literature in individuals affected with CASQ2-related conditions. Invitae Evidence Modeling of protein sequence and biophysical properties (such as structural, functional, and spatial information, amino acid conservation, physicochemical variation, residue mobility, and thermodynamic stability) indicates that this missense variant is expected to disrupt CASQ2 protein function with a positive predictive value of 80%. In summary, the available evidence is currently insufficient to determine the role of this variant in disease. Therefore, it has been classified as a Variant of Uncertain Significance.

NM_001232.4(CASQ2):c.998T>C (p.Val333Ala)

Gene: CASQ2 (calsequestrin 2; minus strand). Cytogenetic location: 1p13.1.
Variant type: single nucleotide variant.
Coding change: c.998T>C on transcript NM_001232.4 (MANE Select); coding-DNA position 998, T replaced by C.
Protein change: p.Val333Ala; replaces valine 333 with alanine.
Molecular consequence: missense variant.
Genome position (GRCh38, 1-based): chr1:115,702,937, A>G on the plus strand (T>C on the coding strand, the complement: CASQ2 is on the minus strand). VCF-style: chr1-115702937-A-G. GRCh37 (hg19) VCF-style: chr1-116245558-A-G.
Other names: short protein forms V333A.
Identifiers: ClinVar variation 4802790 (VCV004802790.1).